The following is an entry in ClinVar:

ClinVar aggregate classification (germline): Benign/Likely benign. Review status: criteria provided, multiple submitters, no conflicts (2 of 4 stars). 5 submissions from 5 submitters: Benign (2); Likely benign (2). 1 of the submissions does not count toward it. Last evaluated 2026-07-01.

Conditions:
KIF23-related disorder. Also called: KIF23-related condition.

Allele frequency attached by ClinVar (database versions not stated): 1000 Genomes Project 30x 0.00047; 1000 Genomes Project 0.00060; TOPMed 0.00420; gnomAD 0.00463 and 0.00485; ExAC 0.00546; gnomAD exomes 0.00551 and 0.00632; ESP Exome Variant Server 0.00562.
gnomAD v4.1: 9,988 of 1,613,156 alleles (0.62%); highest among the groups gnomAD compares: Non-Finnish European, 0.65%; 62 homozygotes.

Submissions (5):

CeGaT Center for Human Genetics Tuebingen
Classification: Likely benign. Last evaluated: 2026-07-01. Review status: criteria provided, single submitter. Criteria: CeGaT Center For Human Genetics Tuebingen Variant Classification Criteria Version 2. Collection method: clinical testing. Allele origin: germline. Affected: yes. Observed: 5 variant alleles.
Comment: KIF23: BP4, BP7, BS2

Labcorp Genetics (formerly Invitae), Labcorp
Classification: Benign. Last evaluated: 2026-02-01. Review status: criteria provided, single submitter. Criteria: Invitae Variant Classification Sherloc (09022015). Collection method: clinical testing. Allele origin: germline.

Mayo Clinic Laboratories, Mayo Clinic
Classification: Likely benign. Last evaluated: 2025-09-16. Review status: criteria provided, single submitter. Criteria: ACMG Guidelines, 2015. Collection method: clinical testing. Allele origin: germline. Observed: 18 variant alleles.
Comment: BP4, BP7

Breakthrough Genomics
Classification: Benign. Review status: criteria provided, single submitter. Criteria: ACMG Guidelines, 2015. Collection method: not provided. Allele origin: germline. Inheritance: Autosomal dominant inheritance. Affected: yes.

PreventionGenetics, part of Exact Sciences
Classification: Benign for KIF23-related condition. Last evaluated: 2021-08-02. Review status: no assertion criteria provided. Collection method: clinical testing. Allele origin: germline. Not counted in ClinVar's aggregate classification.
Comment: This variant is classified as benign based on ACMG/AMP sequence variant interpretation guidelines (Richards et al. 2015 PMID: 25741868, with internal and published modifications).

NM_001367805.3(KIF23):c.2643C>T (p.Ser881=)

Gene: KIF23 (kinesin family member 23; plus strand). Cytogenetic location: 15q23.
Variant type: single nucleotide variant.
Coding change: c.2643C>T on transcript NM_001367805.3 (MANE Select); coding-DNA position 2643, C replaced by T.
Protein change: p.Ser881=; no amino-acid change (serine 881 retained).
Molecular consequence: synonymous variant. On other transcripts: non-coding transcript variant (2), intron variant (1).
Genome position (GRCh38, 1-based): chr15:69,445,011, C>T. VCF-style: chr15-69445011-C-T. GRCh37 (hg19) VCF-style: chr15-69737350-C-T.
Other names: p.Ser867=; c.2601C>T, p.Ser867= (NM_001367804.2, NM_138555.4); c.2289C>T, p.Ser763= (NM_004856.7); c.2050-998C>T (NM_001281301.2).
Identifiers: ClinVar variation 782006 (VCV000782006.34), dbSNP rs35621443, ClinGen allele CA7635430.